The following is an entry in ClinVar:

ClinVar aggregate classification (germline): Uncertain significance (1 of 4 stars; one submission).

Conditions:
Hereditary cancer-predisposing syndrome. Also called: Tumor predisposition; Hereditary Cancer Syndrome; Neoplastic Syndromes, Hereditary; Hereditary neoplastic syndrome. Identifiers: Orphanet 140162, MedGen C0027672, MeSH D009386, MONDO:0015356.

Submission:

Ambry Genetics
Classification: Uncertain significance for Hereditary cancer-predisposing syndrome. Last evaluated: 2021-11-20. Review status: criteria provided, single submitter. Criteria: Ambry Variant Classification Scheme 2023. Collection method: clinical testing. Allele origin: germline.
Comment: The p.L94P variant (also known as c.281T>C), located in coding exon 4 of the MAX gene, results from a T to C substitution at nucleotide position 281. The leucine at codon 94 is replaced by proline, an amino acid with similar properties. This alteration was observed in an individual with a personal and family history of pheochromocytoma(s) (Comino-M&eacute;ndez I et al. Nat Genet, 2011 Jun;43:663-7). This alteration has also been observed in at least one individual with a personal and/or family history that is consistent with MAX-related disease (Ambry internal data). This amino acid position is highly conserved in available vertebrate species. In addition, this alteration is predicted to be tolerated by in silico analysis. Since supporting evidence is limited at this time, the clinical significance of this alteration remains unclear.

Literature cited by the submitters: PubMed 21685915.

NM_002382.5(MAX):c.281T>C (p.Leu94Pro)

Gene: MAX (MYC associated transcriptional regulator X; minus strand). Cytogenetic location: 14q23.3.
Variant type: single nucleotide variant.
Coding change: c.281T>C on transcript NM_002382.5 (MANE Select); coding-DNA position 281, T replaced by C.
Protein change: p.Leu94Pro; replaces leucine 94 with proline.
Molecular consequence: missense variant. On other transcripts: intron variant (2).
Genome position (GRCh38, 1-based): chr14:65,077,927, A>G on the plus strand (T>C on the coding strand, the complement: MAX is on the minus strand). VCF-style: chr14-65077927-A-G. GRCh37 (hg19) VCF-style: chr14-65544645-A-G.
Other names: c.7T>C, p.Phe3Leu (NM_001320415.2, NM_001407105.1, NM_001407106.1 and 1 more transcripts); c.281T>C, p.Leu94Pro (NM_001407094.1, NM_001407096.1, NM_001407097.1 and 3 more transcripts); c.254T>C, p.Leu85Pro (NM_001407095.1, NM_001407099.1, NM_001407100.1 and 6 more transcripts); c.173T>C, p.Leu58Pro (NM_001407098.1); c.-87T>C (NM_001407111.1, NM_001407112.1); c.144+15781T>C (NM_001271069.2); c.171+15781T>C (NM_197957.4); short protein forms L85P, F3L, L58P, L94P.
Identifiers: ClinVar variation 1796437 (VCV001796437.2), dbSNP rs2504194614, ClinGen allele CA390035395.